The following is an entry in ClinVar:

NM_058216.3(RAD51C):c.337G>A (p.Gly113Ser)

Gene: RAD51C (RAD51 paralog C; plus strand). Cytogenetic location: 17q22.
Variant type: single nucleotide variant.
Coding change: c.337G>A on transcript NM_058216.3 (MANE Select); coding-DNA position 337, G replaced by A.
Protein change: p.Gly113Ser; replaces glycine 113 with serine.
Molecular consequence: missense variant. On other transcripts: non-coding transcript variant (2).
Genome position (GRCh38, 1-based): chr17:58,695,122, G>A. VCF-style: chr17-58695122-G-A. GRCh37 (hg19) VCF-style: chr17-56772483-G-A.
Other names: c.337G>A, p.Gly113Ser (NM_002876.4, NM_058217.1); short protein forms G113S.
Identifiers: ClinVar variation 1730807 (VCV001730807.2), dbSNP rs2047954842, ClinGen allele CA400341393.

ClinVar aggregate classification (germline): Uncertain significance (1 of 4 stars; one submission).

Conditions:
Hereditary cancer-predisposing syndrome. Also called: Neoplastic Syndromes, Hereditary; Tumor predisposition; Hereditary Cancer Syndrome; Hereditary neoplastic syndrome. Identifiers: Orphanet 140162, MedGen C0027672, MeSH D009386, MONDO:0015356.

Submission:

Ambry Genetics
Classification: Uncertain significance for Hereditary cancer-predisposing syndrome. Last evaluated: 2020-10-19. Review status: criteria provided, single submitter. Criteria: Ambry Variant Classification Scheme 2023. Collection method: clinical testing. Allele origin: germline.
Comment: The p.G113S variant (also known as c.337G>A), located in coding exon 2 of the RAD51C gene, results from a G to A substitution at nucleotide position 337. The glycine at codon 113 is replaced by serine, an amino acid with similar properties. This amino acid position is highly conserved in available vertebrate species. In addition, this alteration is predicted to be deleterious by in silico analysis. Since supporting evidence is limited at this time, the clinical significance of this alteration remains unclear.